The following is an entry in ClinVar:

NM_001323289.2(CDKL5):c.2260C>T (p.Pro754Ser)

Gene: CDKL5 (cyclin dependent kinase like 5; plus strand). Cytogenetic location: Xp22.13.
Variant type: single nucleotide variant.
Coding change: c.2260C>T on transcript NM_001323289.2 (MANE Select); coding-DNA position 2260, C replaced by T.
Protein change: p.Pro754Ser; replaces proline 754 with serine.
Molecular consequence: missense variant.
Genome position (GRCh38, 1-based): chrX:18,613,259, C>T. VCF-style: chrX-18613259-C-T. GRCh37 (hg19) VCF-style: chrX-18631379-C-T.
Other names: c.2260C>T, p.Pro754Ser (NM_001037343.2, NM_003159.3); short protein forms P754S.
Identifiers: ClinVar variation 3896056 (VCV003896056.1).

ClinVar aggregate classification (germline): Uncertain significance (1 of 4 stars; one submission).

Submission:

Women's Health and Genetics/Laboratory Corporation of America, LabCorp
Classification: Uncertain significance. Last evaluated: 2025-03-21. Review status: criteria provided, single submitter. Criteria: LabCorp Variant Classification Summary - May 2015. Collection method: clinical testing. Allele origin: germline.
Comment: Variant summary: CDKL5 c.2260C>T (p.Pro754Ser) results in a non-conservative amino acid change in the encoded protein sequence. Four of five in-silico tools predict a benign effect of the variant on protein function. The variant was absent in 183347 control chromosomes. The available data on variant occurrences in the general population are insufficient to allow any conclusion about variant significance. To our knowledge, no occurrence of c.2260C>T in individuals affected with Early Infantile Epileptic Encephalopathy 2 and no experimental evidence demonstrating its impact on protein function have been reported. No submitters have cited clinical-significance assessments for this variant to ClinVar. Based on the evidence outlined above, the variant was classified as uncertain significance.